The following is an entry in ClinVar:

NM_001844.5(COL2A1):c.4018A>G (p.Lys1340Glu)

Gene: COL2A1 (collagen type II alpha 1 chain; minus strand). Cytogenetic location: 12q13.11.
Variant type: single nucleotide variant.
Coding change: c.4018A>G on transcript NM_001844.5 (MANE Select); coding-DNA position 4018, A replaced by G.
Protein change: p.Lys1340Glu; replaces lysine 1340 with glutamic acid.
Molecular consequence: missense variant.
Genome position (GRCh38, 1-based): chr12:47,974,731, T>C on the plus strand (A>G on the coding strand, the complement: COL2A1 is on the minus strand). VCF-style: chr12-47974731-T-C. GRCh37 (hg19) VCF-style: chr12-48368514-T-C.
Other names: c.3811A>G, p.Lys1271Glu (NM_033150.3); short protein forms K1271E, K1340E.
Identifiers: ClinVar variation 1314839 (VCV001314839.8), dbSNP rs927945133, ClinGen allele CA236516462.

ClinVar aggregate classification (germline): Uncertain significance. Review status: criteria provided, multiple submitters, no conflicts (2 of 4 stars). 3 submissions from 3 submitters: Uncertain significance (3). Last evaluated 2026-03-12.

Conditions:
Type 2 collagenopathy. Identifiers: Orphanet 93421, MedGen C2931073, MONDO:0022800.
Inborn genetic diseases. Identifiers: MedGen C0950123, MeSH D030342.

Allele frequency attached by ClinVar (database versions not stated): gnomAD exomes below 0.00001; gnomAD 0.00001; TOPMed 0.00001.
gnomAD v4.1: 3 of 1,614,098 alleles (0.00019%); highest among the groups gnomAD compares: Non-Finnish European, 0.00025%; no homozygotes.

Submissions (3):

Ambry Genetics
Classification: Uncertain significance for Inborn genetic diseases. Last evaluated: 2026-03-12. Review status: criteria provided, single submitter. Criteria: Ambry Variant Classification Scheme 2023. Collection method: clinical testing. Allele origin: germline.

Labcorp Genetics (formerly Invitae), Labcorp
Classification: Uncertain significance. Last evaluated: 2025-10-05. Review status: criteria provided, single submitter. Criteria: Invitae Variant Classification Sherloc (09022015). Collection method: clinical testing. Allele origin: germline.
Comment: This sequence change replaces lysine, which is basic and polar, with glutamic acid, which is acidic and polar, at codon 1340 of the COL2A1 protein (p.Lys1340Glu). This variant is not present in population databases (gnomAD no frequency). This variant has not been reported in the literature in individuals affected with COL2A1-related conditions. ClinVar contains an entry for this variant (Variation ID: 1314839). Invitae Evidence Modeling of protein sequence and biophysical properties (such as structural, functional, and spatial information, amino acid conservation, physicochemical variation, residue mobility, and thermodynamic stability) indicates that this missense variant is not expected to disrupt COL2A1 protein function with a negative predictive value of 95%. In summary, the available evidence is currently insufficient to determine the role of this variant in disease. Therefore, it has been classified as a Variant of Uncertain Significance.

GeneDx
Classification: Uncertain significance. Last evaluated: 2021-04-14. Review status: criteria provided, single submitter. Criteria: GeneDx Variant Classification Process June 2021. Collection method: clinical testing. Allele origin: germline. Affected: yes.
Comment: Has not been previously published as pathogenic or benign to our knowledge; Not observed in large population cohorts (Lek et al., 2016); In silico analysis supports that this missense variant does not alter protein structure/function; Not located in the triple helical region, where the majority of pathogenic missense variants occur (Stenson et al., 2014)